The following is an entry in ClinVar:

ClinVar aggregate classification (germline): Uncertain significance (1 of 4 stars; one submission).

Submission:

Women's Health and Genetics/Laboratory Corporation of America, LabCorp
Classification: Uncertain significance. Last evaluated: 2026-01-28. Review status: criteria provided, single submitter. Criteria: LabCorp Variant Classification Summary - May 2015. Collection method: clinical testing. Allele origin: germline.
Comment: Variant summary: AFF3 c.40C>T (p.Leu14Phe) results in a non-conservative amino acid change in the encoded protein sequence. Algorithms developed to predict the effect of missense changes on protein structure and function are either unavailable or do not agree on the potential impact of this missense change. The variant was absent in 84770 control chromosomes. The available data on variant occurrences in the general population are insufficient to allow any conclusion about variant significance. To our knowledge, no occurrence of c.40C>T in individuals affected with AFF3-related conditions and no experimental evidence demonstrating its impact on protein function have been reported. No submitters have cited clinical-significance assessments for this variant to ClinVar. Based on the evidence outlined above, the variant was classified as uncertain significance.

NM_001386135.1(AFF3):c.40C>T (p.Leu14Phe)

Gene: AFF3 (ALF transcription elongation factor 3; minus strand). Cytogenetic location: 2q11.2.
Variant type: single nucleotide variant.
Coding change: c.40C>T on transcript NM_001386135.1 (MANE Select); coding-DNA position 40, C replaced by T.
Protein change: p.Leu14Phe; replaces leucine 14 with phenylalanine.
Molecular consequence: missense variant.
Genome position (GRCh38, 1-based): chr2:100,104,415, G>A on the plus strand (C>T on the coding strand, the complement: AFF3 is on the minus strand). VCF-style: chr2-100104415-G-A. GRCh37 (hg19) VCF-style: chr2-100720877-G-A.
Other names: c.40C>T, p.Leu14Phe (NM_001025108.2, NM_002285.3); short protein forms L14F.
Identifiers: ClinVar variation 4689123 (VCV004689123.1).